The following continues an entry in ClinVar:

NM_144997.7(FLCN):c.466TTC[1] (p.Phe157del)

Gene: FLCN. ClinVar aggregate classification (germline): Pathogenic/Likely pathogenic. Pathogenic (11); Likely pathogenic (2).

Submissions 13 to 16 of 16:

Genomic Diagnostic Laboratory, Division of Genomic Diagnostics, Children's Hospital of Philadelphia
Classification: Likely pathogenic for Birt-Hogg-Dube Syndrome. Last evaluated: 2016-07-18. Review status: criteria provided, single submitter. Criteria: DGD Variant Analysis Guidelines. Collection method: clinical testing. Allele origin: germline. Affected: yes. Observed: 6 variant alleles.
Comment: Clinical Testing

PreventionGenetics, part of Exact Sciences
Classification: Pathogenic for FLCN-related condition. Last evaluated: 2024-08-23. Review status: no assertion criteria provided. Collection method: clinical testing. Allele origin: germline. Not counted in ClinVar's aggregate classification.
Comment: The FLCN c.469_471delTTC variant is predicted to result in an in-frame deletion (p.Phe157del). This variant, which may also be referred to as c.924_926del, has been reported to be causative for primary spontaneous pneumothorax and Birt–Hogg–Dubé syndrome (Ren et al. 2008. PubMed ID: 18505456; Byrne et al. 2012. PubMed ID: 22571569; Radzikowska et al. 2016. PubMed ID: 27906882). A functional study reported that this variant results in instability of the folliculin protein (Nahorski et al. 2011. PubMed ID: 21538689). This variant is reported in 0.00089% of alleles in individuals of European (Non-Finnish) descent in gnomAD and has been interpreted as pathogenic/likely pathogenic in the ClinVar database. This variant is interpreted as pathogenic.

Division of Respiratory Medicine of Juntendo University, Juntendo University Faculty of Medicine and Graduate School of Medicine
Classification: Pathogenic for Birt-Hogg-Dube syndrome 1. Last evaluated: 2023-07-01. Review status: no assertion criteria provided. Collection method: clinical testing. Allele origin: germline. Affected: yes. Not counted in ClinVar's aggregate classification.

OMIM
Classification: Pathogenic for PNEUMOTHORAX, PRIMARY SPONTANEOUS. Last evaluated: 2009-09-01. Review status: no assertion criteria provided. Collection method: literature only. Allele origin: germline. Not counted in ClinVar's aggregate classification.

Literature cited by the submitters: PubMed 34229741 (cited by Department of Medical Genetics, Hatay Education and Research Hospital and Myriad Genetics, Inc.); PubMed 34604083 (cited by Department of Medical Genetics, Hatay Education and Research Hospital and Myriad Genetics, Inc.); PubMed 31258130 (cited by Department of Medical Genetics, Hatay Education and Research Hospital and Quest Diagnostics Nichols Institute San Juan Capistrano); PubMed 30360018 (cited by 3 submitters); PubMed 27906882 (cited by 4 submitters); PubMed 22571569 (cited by 4 submitters); PubMed 33137092 (cited by Department of Medical Genetics, Hatay Education and Research Hospital and Myriad Genetics, Inc.); PubMed 21538689 (cited by 3 submitters); PubMed 18505456 (cited by 5 submitters); PubMed 22146830 (cited by 4 submitters); PubMed 22725638 (cited by Ambry Genetics); PubMed 25655561 (cited by Ambry Genetics and Quest Diagnostics Nichols Institute San Juan Capistrano); PubMed 28724667 (cited by 3 submitters); PubMed 39272843 (cited by Myriad Genetics, Inc.); PubMed 31615547 (cited by Quest Diagnostics Nichols Institute San Juan Capistrano); PubMed 33313181 (cited by Quest Diagnostics Nichols Institute San Juan Capistrano); PubMed 19562744 (cited by Quest Diagnostics Nichols Institute San Juan Capistrano and OMIM).